The following is an entry in ClinVar:

NM_170606.3(KMT2C):c.4420C>T (p.Pro1474Ser)

Gene: KMT2C (lysine methyltransferase 2C; minus strand). Cytogenetic location: 7q36.1.
Variant type: single nucleotide variant.
Coding change: c.4420C>T on transcript NM_170606.3 (MANE Select); coding-DNA position 4420, C replaced by T.
Protein change: p.Pro1474Ser; replaces proline 1474 with serine.
Molecular consequence: missense variant.
Genome position (GRCh38, 1-based): chr7:152,194,527, G>A on the plus strand (C>T on the coding strand, the complement: KMT2C is on the minus strand). VCF-style: chr7-152194527-G-A. GRCh37 (hg19) VCF-style: chr7-151891612-G-A.
Other names: short protein forms P1474S.
Identifiers: ClinVar variation 3385086 (VCV003385086.1).

ClinVar aggregate classification (germline): Uncertain significance (1 of 4 stars; one submission).

gnomAD v4.1: 4 of 1,612,754 alleles (0.00025%); highest among the groups gnomAD compares: Non-Finnish European, 0.00034%; no homozygotes.

Submission:

Women's Health and Genetics/Laboratory Corporation of America, LabCorp
Classification: Uncertain significance. Last evaluated: 2024-10-25. Review status: criteria provided, single submitter. Criteria: LabCorp Variant Classification Summary - May 2015. Collection method: clinical testing. Allele origin: germline.
Comment: Variant summary: KMT2C c.4420C>T (p.Pro1474Ser) results in a non-conservative amino acid change in the encoded protein sequence. Three of five in-silico tools predict a benign effect of the variant on protein function. The variant allele was found at a frequency of 8e-06 in 251208 control chromosomes. The available data on variant occurrences in the general population are insufficient to allow any conclusion about variant significance. To our knowledge, no occurrence of c.4420C>T in individuals affected with Kleefstra Syndrome 2 and no experimental evidence demonstrating its impact on protein function have been reported. No submitters have cited clinical-significance assessments for this variant to ClinVar. Based on the evidence outlined above, the variant was classified as uncertain significance.